The following is an entry in ClinVar:

ClinVar aggregate classification (germline): Pathogenic (1 of 4 stars; one submission).

Allele frequency attached by ClinVar (database versions not stated): gnomAD exomes below 0.00001; TOPMed below 0.00001.
gnomAD v4.1: 2 of 1,613,656 alleles (0.00012%); highest among the groups gnomAD compares: Middle Eastern, 0.017%; no homozygotes.

Submission:

Labcorp Genetics (formerly Invitae), Labcorp
Classification: Pathogenic. Last evaluated: 2021-12-15. Review status: criteria provided, single submitter. Criteria: Invitae Variant Classification Sherloc (09022015). Collection method: clinical testing. Allele origin: germline.
Comment: This sequence change creates a premature translational stop signal (p.Lys459*) in the C6 gene. It is expected to result in an absent or disrupted protein product. Loss-of-function variants in C6 are known to be pathogenic (PMID: 17257682). This variant is not present in population databases (gnomAD no frequency). This variant has not been reported in the literature in individuals affected with C6-related conditions. Algorithms developed to predict the effect of sequence changes on RNA splicing suggest that this variant may create or strengthen a splice site. For these reasons, this variant has been classified as Pathogenic.

Literature cited by the submitters: PubMed 17257682.

NM_000065.5(C6):c.1375A>T (p.Lys459Ter)

Gene: C6 (complement C6; minus strand). Cytogenetic location: 5p13.1.
Variant type: single nucleotide variant.
Coding change: c.1375A>T on transcript NM_000065.5 (MANE Select); coding-DNA position 1375, A replaced by T.
Protein change: p.Lys459Ter; replaces lysine 459 with a stop codon.
Molecular consequence: nonsense.
Genome position (GRCh38, 1-based): chr5:41,161,776, T>A on the plus strand (A>T on the coding strand, the complement: C6 is on the minus strand). VCF-style: chr5-41161776-T-A. GRCh37 (hg19) VCF-style: chr5-41161878-T-A.
Other names: c.1375A>T, p.Lys459Ter (NM_001115131.4); short protein forms K459*.
Identifiers: ClinVar variation 1361000 (VCV001361000.6), dbSNP rs1747532310, ClinGen allele CA359598263.